The following is an entry in ClinVar:

ClinVar aggregate classification (germline): Uncertain significance. Review status: criteria provided, multiple submitters, no conflicts (2 of 4 stars). 2 submissions from 2 submitters: Uncertain significance (2). Last evaluated 2025-08-29.

Conditions:
Hereditary nonpolyposis colorectal neoplasms. Identifiers: MedGen C0009405, MeSH D003123.
Hereditary cancer-predisposing syndrome. Also called: Hereditary Cancer Syndrome; Tumor predisposition; Hereditary neoplastic syndrome; Neoplastic Syndromes, Hereditary. Identifiers: Orphanet 140162, MedGen C0027672, MeSH D009386, MONDO:0015356.

Submissions (2):

Labcorp Genetics (formerly Invitae), Labcorp
Classification: Uncertain significance for Hereditary nonpolyposis colorectal neoplasms. Last evaluated: 2025-08-29. Review status: criteria provided, single submitter. Criteria: Invitae Variant Classification Sherloc (09022015). Collection method: clinical testing. Allele origin: germline.
Comment: This sequence change replaces aspartic acid, which is acidic and polar, with alanine, which is neutral and non-polar, at codon 276 of the MSH6 protein (p.Asp276Ala). This variant is not present in population databases (gnomAD no frequency). This variant has not been reported in the literature in individuals affected with MSH6-related conditions. ClinVar contains an entry for this variant (Variation ID: 3398897). Invitae Evidence Modeling of protein sequence and biophysical properties (such as structural, functional, and spatial information, amino acid conservation, physicochemical variation, residue mobility, and thermodynamic stability) indicates that this missense variant is not expected to disrupt MSH6 protein function with a negative predictive value of 95%. In summary, the available evidence is currently insufficient to determine the role of this variant in disease. Therefore, it has been classified as a Variant of Uncertain Significance.

Ambry Genetics
Classification: Uncertain significance for Hereditary cancer-predisposing syndrome. Last evaluated: 2024-08-19. Review status: criteria provided, single submitter. Criteria: Ambry Variant Classification Scheme 2023. Collection method: clinical testing. Allele origin: germline.
Comment: The p.D276A variant (also known as c.827A>C), located in coding exon 4 of the MSH6 gene, results from an A to C substitution at nucleotide position 827. The aspartic acid at codon 276 is replaced by alanine, an amino acid with dissimilar properties. This amino acid position is conserved. In addition, the in silico prediction for this alteration is inconclusive. Based on the available evidence, the clinical significance of this variant remains unclear.

NM_000179.3(MSH6):c.827A>C (p.Asp276Ala)

Gene: MSH6 (mutS homolog 6; plus strand). Cytogenetic location: 2p16.3.
Variant type: single nucleotide variant.
Coding change: c.827A>C on transcript NM_000179.3 (MANE Select); coding-DNA position 827, A replaced by C.
Protein change: p.Asp276Ala; replaces aspartic acid 276 with alanine.
Molecular consequence: missense variant. On other transcripts: 5 prime UTR variant (9), non-coding transcript variant (4), intron variant (1).
Genome position (GRCh38, 1-based): chr2:47,798,810, A>C. VCF-style: chr2-47798810-A-C. GRCh37 (hg19) VCF-style: chr2-48025949-A-C.
Other names: c.437A>C, p.Asp146Ala (NM_001281492.2); c.-80A>C (NM_001281493.2, NM_001281494.2, NM_001406811.1 and 6 more transcripts); c.923A>C, p.Asp308Ala (NM_001406795.1, NM_001406802.1); c.827A>C, p.Asp276Ala (NM_001406796.1, NM_001406798.1, NM_001406800.1 and 4 more transcripts); c.530A>C, p.Asp177Ala (NM_001406797.1, NM_001406801.1, NM_001406805.1 and 10 more transcripts); c.302A>C, p.Asp101Ala (NM_001406799.1, NM_001406806.1, NM_001406807.1); c.749A>C, p.Asp250Ala (NM_001406804.1); c.833A>C, p.Asp278Ala (NM_001406813.1); and 2 more; short protein forms D101A, D146A, D250A, D308A, D276A, D177A, D220A, D278A.
Identifiers: ClinVar variation 3398897 (VCV003398897.2).